The following is an entry in ClinVar:

ClinVar aggregate classification (germline): Uncertain significance (1 of 4 stars; one submission).

Allele frequency attached by ClinVar (database versions not stated): gnomAD exomes below 0.00001.

Submission:

Labcorp Genetics (formerly Invitae), Labcorp
Classification: Uncertain significance. Last evaluated: 2023-04-30. Review status: criteria provided, single submitter. Criteria: Invitae Variant Classification Sherloc (09022015). Collection method: clinical testing. Allele origin: germline.
Comment: This variant has not been reported in the literature in individuals affected with GSN-related conditions. In summary, the available evidence is currently insufficient to determine the role of this variant in disease. Therefore, it has been classified as a Variant of Uncertain Significance. Algorithms developed to predict the effect of missense changes on protein structure and function output the following: SIFT: "Not Available"; PolyPhen-2: "Benign"; Align-GVGD: "Not Available". The threonine amino acid residue is found in multiple mammalian species, which suggests that this missense change does not adversely affect protein function. ClinVar contains an entry for this variant (Variation ID: 1998317). This variant is present in population databases (no rsID available, gnomAD 0.003%). This sequence change replaces alanine, which is neutral and non-polar, with threonine, which is neutral and polar, at codon 292 of the GSN protein (p.Ala292Thr).

NM_198252.3(GSN):c.721G>A (p.Ala241Thr)

Gene: GSN (gelsolin; plus strand). Cytogenetic location: 9q33.2.
Variant type: single nucleotide variant.
Coding change: c.721G>A on transcript NM_198252.3 (MANE Select); coding-DNA position 721, G replaced by A.
Protein change: p.Ala241Thr; replaces alanine 241 with threonine.
Molecular consequence: missense variant.
Genome position (GRCh38, 1-based): chr9:121,313,991, G>A. VCF-style: chr9-121313991-G-A. GRCh37 (hg19) VCF-style: chr9-124076269-G-A.
Other names: c.721G>A, p.Ala241Thr (NM_001127665.2, NM_001353053.1, NM_001353054.1 and 10 more transcripts); c.754G>A, p.Ala252Thr (NM_001127666.2, NM_001127667.2, NM_001353067.2 and 13 more transcripts); c.772G>A, p.Ala258Thr (NM_001258029.2); c.745G>A, p.Ala249Thr (NM_001258030.2); c.793G>A, p.Ala265Thr (NM_001353076.2); c.874G>A, p.Ala292Thr (NM_000177.5); c.829G>A, p.Ala277Thr (NM_001127663.2); c.67G>A, p.Ala23Thr (NM_001353078.2); short protein forms A241T, A249T, A265T, A277T, A252T, A258T, A292T, A23T.
Identifiers: ClinVar variation 1998317 (VCV001998317.4), dbSNP rs150568054, ClinGen allele CA374742581.
Genomic context (GRCh38, chr9:121,313,991, plus strand): 5'-CAGGTGCTGGGCCCCAAGCCGGCTCTGCCTGCAGGTACCGAGGACACCGCCAAGGAGGAT[G>A]CGGCCAACCGCAAGCTGGCCAAGCTCTACAAGGTGAGCACCAGATGCACTGTCTGCCTGG-3'
Protein context (NP_937895.1, residues 231-251): AGTEDTAKED[Ala241Thr]ANRKLAKLYK